The following is an entry in ClinVar:

ClinVar aggregate classification (germline): Pathogenic (1 of 4 stars; one submission).

Conditions:
Nemaline myopathy 2 (NEM2). Also called: Nemaline myopathy 2, autosomal recessive. Identifiers: MedGen C1850569, MONDO:0009725, OMIM 256030.

Submission:

Rady Children's Institute for Genomic Medicine, Rady Children's Hospital San Diego
Classification: Pathogenic for NEMALINE MYOPATHY 2. Last evaluated: 2018-02-08. Review status: criteria provided, single submitter. Criteria: ACMG Guidelines, 2015. Collection method: clinical testing. Allele origin: germline. Affected: yes. Observed: 1 variant allele.
Comment: This frameshifting variant is predicted to result in a premature termination of the NEB protein (p.Thr8080AsnfsTer20). This variant has not been previously reported in the literature to our knowledge, but other pathogenic frameshift changes have been reported in the literature in association with Nemaline Myopathy (PMID: 25205138, 24725366). In addition, this variant is not present in the SNP databases. Based on the overall evidence, including evidence from the literature, and potential functional effects of frameshift variants in the NEB gene, this variant was classified as pathogenic.

NM_001164508.2(NEB):c.24238dup (p.Thr8080fs)

Genes: NEB (nebulin; minus strand), RIF1 (replication timing regulatory factor 1; plus strand). Cytogenetic location: 2q23.3.
Variant type: Duplication.
Coding change: c.24238dup on transcript NM_001164508.2 (MANE Select); coding-DNA position 24238, one base duplicated (A; older notation c.24238dupA).
Protein change: p.Thr8080fs; shifts the reading frame from threonine 8080.
Molecular consequence: frameshift variant. On other transcripts: intron variant (1).
Genome position (GRCh38, 1-based): chr2:151,497,688, T duplicated on the plus strand (A on the coding strand, the reverse complement: NEB is on the minus strand); the first of 2 consecutive T bases (chr2:151,497,688-151,497,689); duplicating either gives the same sequence. VCF-style (leftmost placement, unchanged base first): chr2-151497687-G-GT. GRCh37 (hg19) VCF-style: chr2-152354201-G-GT.
Other names: c.24238dup, p.Thr8080fs (NM_001164507.2); c.24343dup, p.Thr8115fs (NM_001271208.2); c.18826-1320dup (NM_004543.5); c.24238dupA (NM_001164508.1); short protein forms T8080fs, T8115fs.
Identifiers: ClinVar variation 692008 (VCV000692008.1), dbSNP rs1575024425, ClinGen allele CA915942839.
Genomic context (GRCh38, chr2:151,497,687, plus strand): 5'-GAGCTAATATTTTCTTGATTGTGTTTGACTCTTTCCATCTCGGGAGTGACAGGTAAAGGG[G>GT]TTCCCTTGCCCATGTTTTCTTTGTATAACACCTGTGCGATAAGAAAGCATCCAGAAAAAC-3'